The following is an entry in ClinVar:

ClinVar aggregate classification (germline): Pathogenic (1 of 4 stars; one submission).

Conditions:
Malan overgrowth syndrome (MALNS). Also called: MALAN SYNDROME; Sotos syndrome 2; NFIX-Related Malan Syndrome. Identifiers: Orphanet 420179, MedGen C3553660, MONDO:0013885, OMIM 614753.

Submission:

Victorian Clinical Genetics Services, Murdoch Childrens Research Institute
Classification: Pathogenic for Malan overgrowth syndrome. Last evaluated: 2026-03-31. Review status: criteria provided, single submitter. Criteria: ACMG Guidelines, 2015. Collection method: clinical testing. Allele origin: germline. Affected: yes.
Comment: This variant is classified as Pathogenic. Evidence in support of pathogenic classification: Variant is absent from gnomAD (v2, v3 and v4); Another missense variant comparable to the one identified in this case has limited previous evidence for pathogenicity. p.(Glu148Asp) has been reported in the literature as de novo in an individual with Malan Syndrome (PMID: 29897170); Variant is located in a hotspot region or cluster of PATHOGENIC variants in the MH1 domain (DECIPHER, PMID: 29897170); Missense variant predicted to be damaging by in silico tool(s) or highly conserved with a major amino acid change; Additional information: Variant is predicted to result in a missense amino acid change from Glu to Lys; This variant is heterozygous; This gene is associated with autosomal dominant disease; This variant has no previous evidence of pathogenicity; No published evidence of segregation with disease has been identified for this variant; No published functional evidence has been identified for this variant; Loss of function is a known mechanism of disease in this gene and is associated with Malan syndrome (MIM#614753). Dominant negative is a suspected mechanism of disease for Marshall-Smith syndrome (MIM#602535) (PMID: 24924640).

Literature cited by the submitters: PubMed 24924640; PubMed 29897170.

NM_001365902.3(NFIX):c.442G>A (p.Glu148Lys)

Gene: NFIX (nuclear factor I X; plus strand). Cytogenetic location: 19p13.13.
Variant type: single nucleotide variant.
Coding change: c.442G>A on transcript NM_001365902.3 (MANE Select); coding-DNA position 442, G replaced by A.
Protein change: p.Glu148Lys; replaces glutamic acid 148 with lysine.
Molecular consequence: missense variant.
Genome position (GRCh38, 1-based): chr19:13,025,435, G>A. VCF-style: chr19-13025435-G-A. GRCh37 (hg19) VCF-style: chr19-13136249-G-A.
Other names: c.466G>A, p.Glu156Lys (NM_001271043.2); c.418G>A, p.Glu140Lys (NM_001271044.3, NM_001378404.1, NM_001440616.1 and 1 more transcripts); c.442G>A, p.Glu148Lys (NM_001365982.2, NM_002501.4); c.301G>A, p.Glu101Lys (NM_001365983.2); c.439G>A, p.Glu147Lys (NM_001365984.2, NM_001365985.2); c.490G>A, p.Glu164Lys (NM_001378405.1); short protein forms E101K, E140K, E147K, E148K, E156K, E164K.
Identifiers: ClinVar variation 4879665 (VCV004879665.1).